The following is an entry in ClinVar:

NM_001244008.2(KIF1A):c.2593T>A (p.Ser865Thr)

Gene: KIF1A (kinesin family member 1A; minus strand). Cytogenetic location: 2q37.3.
Variant type: single nucleotide variant.
Coding change: c.2593T>A on transcript NM_001244008.2 (MANE Select); coding-DNA position 2593, T replaced by A.
Protein change: p.Ser865Thr; replaces serine 865 with threonine.
Molecular consequence: missense variant. On other transcripts: intron variant (19).
Genome position (GRCh38, 1-based): chr2:240,757,584, A>T on the plus strand (T>A on the coding strand, the complement: KIF1A is on the minus strand). VCF-style: chr2-240757584-A-T. GRCh37 (hg19) VCF-style: chr2-241697001-A-T.
Other names: c.2668T>A, p.Ser890Thr (NM_001379631.1); c.2566T>A, p.Ser856Thr (NM_001379633.1, NM_001379642.1, NM_001379645.1); c.2555+776T>A (NM_001379653.1, NM_001379650.1, NM_001379640.1 and 6 more transcripts); c.2657+776T>A (NM_001379635.1, NM_001330290.2, NM_001379646.1 and 1 more transcripts); c.2556-14T>A (NM_001379632.1); c.2630+776T>A (NM_001379637.1, NM_001379648.1); c.2582+776T>A (NM_001320705.2, NM_001379638.1, NM_001330289.2); short protein forms S856T, S865T, S890T.
Identifiers: ClinVar variation 2579960 (VCV002579960.1), dbSNP rs2537513421, ClinGen allele CA351322685.

ClinVar aggregate classification (germline): Uncertain significance (1 of 4 stars; one submission).

Submission:

GeneDx
Classification: Uncertain significance. Last evaluated: 2023-09-15. Review status: criteria provided, single submitter. Criteria: GeneDx Variant Classification Process June 2021. Collection method: clinical testing. Allele origin: germline. Affected: yes.
Comment: Not observed at significant frequency in large population cohorts (gnomAD); In silico analysis supports that this variant does not alter splicing; Has not been previously published as pathogenic or benign to our knowledge; Reported using an alternate transcript of the gene